The following is an entry in ClinVar:

ClinVar aggregate classification (germline): Pathogenic (1 of 4 stars; one submission).

Conditions:
Osteogenesis imperfecta type I (OI1). Also called: Lobstein's Disease; Lobstein disease; Classic Non-deforming Osteogenesis Imperfecta with Blue Sclerae; OI, TYPE I; OSTEOGENESIS IMPERFECTA TARDA; OSTEOGENESIS IMPERFECTA WITH BLUE SCLERAE. Identifiers: Orphanet 216796, Orphanet 666, MedGen C0023931, MONDO:0008146, OMIM 166200. Disease mechanism: loss of function.

Submission:

Labcorp Genetics (formerly Invitae), Labcorp
Classification: Pathogenic for Osteogenesis imperfecta type I. Last evaluated: 2024-08-20. Review status: criteria provided, single submitter. Criteria: Invitae Variant Classification Sherloc (09022015). Collection method: clinical testing. Allele origin: germline.
Comment: This sequence change creates a premature translational stop signal (p.Asp116Argfs*53) in the COL1A1 gene. It is expected to result in an absent or disrupted protein product. Loss-of-function variants in COL1A1 are known to be pathogenic (PMID: 7942841, 9295084, 9443882). This variant is not present in population databases (gnomAD no frequency). This variant has not been reported in the literature in individuals affected with COL1A1-related conditions. For these reasons, this variant has been classified as Pathogenic.

Literature cited by the submitters: PubMed 7942841; PubMed 9295084; PubMed 9443882.

NM_000088.4(COL1A1):c.344dup (p.Asp116fs)

Gene: COL1A1 (collagen type I alpha 1 chain; minus strand). Cytogenetic location: 17q21.33.
Variant type: Duplication.
Coding change: c.344dup on transcript NM_000088.4 (MANE Select); coding-DNA position 344, one base duplicated (G; older notation c.344dupG).
Protein change: p.Asp116fs; shifts the reading frame from aspartic acid 116.
Molecular consequence: frameshift variant.
Genome position (GRCh38, 1-based): chr17:50,199,443, C duplicated on the plus strand (G on the coding strand, the reverse complement: COL1A1 is on the minus strand); the first of 3 consecutive C bases (chr17:50,199,443-50,199,445); duplicating any one gives the same sequence. VCF-style (leftmost placement, unchanged base first): chr17-50199442-T-TC. GRCh37 (hg19) VCF-style: chr17-48276803-T-TC.
Other names: short protein forms D116fs.
Identifiers: ClinVar variation 3661489 (VCV003661489.2).